The following is an entry in ClinVar:

NM_001042492.3(NF1):c.4643del (p.Pro1548fs)

Gene: NF1 (neurofibromin 1; plus strand). Cytogenetic location: 17q11.2.
Variant type: Deletion.
Coding change: c.4643del on transcript NM_001042492.3 (MANE Select); coding-DNA position 4643, one base deleted (C; older notation c.4643delC).
Protein change: p.Pro1548fs; shifts the reading frame from proline 1548.
Molecular consequence: frameshift variant.
Genome position (GRCh38, 1-based): chr17:31,261,776, C deleted; the last of 2 consecutive C bases (chr17:31,261,775-31,261,776); deleting either gives the same sequence. VCF-style (leftmost placement, unchanged base first): chr17-31261774-TC-T. GRCh37 (hg19) VCF-style: chr17-29588792-TC-T.
Other names: c.4580delC, p.Pro1527Leufs (NM_000267.4); short protein forms P1548fs, P1527fs.
Identifiers: ClinVar variation 2019852 (VCV002019852.4), dbSNP rs2508429880, ClinGen allele CA2580093301.
Genomic context (GRCh38, chr17:31,261,774, plus strand): 5'-TCATAAAGCTGTTGGAAGACGACCTTTTGATAAGATGGCAACACTTCTTGCATACCTGGG[TC>T]CTCCAGAGCACAAACCTGTGGCAGATACACACTGGTCCAGCCTTAACCTTACCAGTTCAA-3'

ClinVar aggregate classification (germline): Pathogenic (1 of 4 stars; one submission).

Conditions:
Neurofibromatosis, type 1 (NF1). Also called: NEUROFIBROMATOSIS, TYPE I, SOMATIC; Neurofibromatosis, type I; Peripheral type neurofibromatosis; VON RECKLINGHAUSEN DISEASE. Identifiers: Orphanet 636, MedGen C0027831, MONDO:0018975, OMIM 162200. Disease mechanism: loss of function.

Submission:

Labcorp Genetics (formerly Invitae), Labcorp
Classification: Pathogenic for Neurofibromatosis, type 1. Last evaluated: 2022-07-27. Review status: criteria provided, single submitter. Criteria: Invitae Variant Classification Sherloc (09022015). Collection method: clinical testing. Allele origin: germline.
Comment: This sequence change creates a premature translational stop signal (p.Pro1527Leufs*26) in the NF1 gene. It is expected to result in an absent or disrupted protein product. Loss-of-function variants in NF1 are known to be pathogenic (PMID: 10712197, 23913538). This variant is not present in population databases (gnomAD no frequency). This variant has not been reported in the literature in individuals affected with NF1-related conditions. For these reasons, this variant has been classified as Pathogenic.

Literature cited by the submitters: PubMed 10712197; PubMed 23913538.